The following is an entry in ClinVar:

NM_003334.4(UBA1):c.838A>T (p.Thr280Ser)

Gene: UBA1 (ubiquitin like modifier activating enzyme 1; plus strand). Cytogenetic location: Xp11.3.
Variant type: single nucleotide variant.
Coding change: c.838A>T on transcript NM_003334.4 (MANE Select); coding-DNA position 838, A replaced by T.
Protein change: p.Thr280Ser; replaces threonine 280 with serine.
Molecular consequence: missense variant.
Genome position (GRCh38, 1-based): chrX:47,202,182, A>T. VCF-style: chrX-47202182-A-T. GRCh37 (hg19) VCF-style: chrX-47061581-A-T.
Other names: c.838A>T, p.Thr280Ser (NM_153280.3); short protein forms T280S.
Identifiers: ClinVar variation 3729930 (VCV003729930.2).

ClinVar aggregate classification (germline): Uncertain significance (1 of 4 stars; one submission).

Conditions:
Infantile-onset X-linked spinal muscular atrophy. Also called: Spinal Muscular Atrophy, X-Linked Infantile; AMC, DISTAL, X-LINKED; ARTHROGRYPOSIS, X-LINKED, TYPE I; Spinal muscular atrophy, X-linked 2; SPINAL MUSCULAR ATROPHY, X-LINKED LETHAL INFANTILE. Identifiers: Orphanet 1145, MedGen C1844934, MONDO:0010532, OMIM 301830.

Submission:

Labcorp Genetics (formerly Invitae), Labcorp
Classification: Uncertain significance for Infantile-onset X-linked spinal muscular atrophy. Last evaluated: 2024-09-11. Review status: criteria provided, single submitter. Criteria: Invitae Variant Classification Sherloc (09022015). Collection method: clinical testing. Allele origin: germline.
Comment: This sequence change replaces threonine, which is neutral and polar, with serine, which is neutral and polar, at codon 280 of the UBA1 protein (p.Thr280Ser). This variant is not present in population databases (gnomAD no frequency). This variant has not been reported in the literature in individuals affected with UBA1-related conditions. An algorithm developed to predict the effect of missense changes on protein structure and function (PolyPhen-2) suggests that this variant is likely to be disruptive. In summary, the available evidence is currently insufficient to determine the role of this variant in disease. Therefore, it has been classified as a Variant of Uncertain Significance.